The following is an entry in ClinVar:

NM_021019.5(MYL6):c.429G>A (p.Ala143=)

Gene: MYL6 (myosin light chain 6; plus strand). Cytogenetic location: 12q13.2.
Variant type: single nucleotide variant.
Coding change: c.429G>A on transcript NM_021019.5 (MANE Select); coding-DNA position 429, G replaced by A.
Protein change: p.Ala143=; no amino-acid change (alanine 143 retained).
Molecular consequence: synonymous variant. On other transcripts: intron variant (1).
Genome position (GRCh38, 1-based): chr12:56,160,627, G>A. VCF-style: chr12-56160627-G-A. GRCh37 (hg19) VCF-style: chr12-56554411-G-A.
Other names: c.427+307G>A (NM_079423.4).
Identifiers: ClinVar variation 4821091 (VCV004821091.4).
Genomic context (GRCh38, chr12:56,160,627, plus strand): 5'-GACCCCTCACCCCATGTCTTTGTCTTGTCTTCACCATGAATGTCTCTTCCTTCCTGCAGC[G>A]TTTGTGAGGCATATCCTGTCGGGGTGACGGGCCCATGGGGCGGGTACGGCTCCTCCCAGC-3'
Protein context (NP_066299.2, residues 133-151): EDSNGCINYE[Ala143=]FVRHILSG

ClinVar aggregate classification (germline): Likely benign (1 of 4 stars; one submission).

gnomAD v4.1: 81 of 1,614,090 alleles (0.005%); highest among the groups gnomAD compares: Admixed American, 0.022%; no homozygotes.

Submission:

CeGaT Center for Human Genetics Tuebingen
Classification: Likely benign. Last evaluated: 2026-03-01. Review status: criteria provided, single submitter. Criteria: CeGaT Center For Human Genetics Tuebingen Variant Classification Criteria Version 2. Collection method: clinical testing. Allele origin: germline. Affected: yes. Observed: 1 variant allele.
Comment: MYL6: BP4, BP7